The following is an entry in ClinVar:

NM_021240.4(DMRT3):c.559A>G (p.Lys187Glu)

Gene: DMRT3 (doublesex and mab-3 related transcription factor 3; plus strand). Cytogenetic location: 9p24.3.
Variant type: single nucleotide variant.
Coding change: c.559A>G on transcript NM_021240.4 (MANE Select); coding-DNA position 559, A replaced by G.
Protein change: p.Lys187Glu; replaces lysine 187 with glutamic acid.
Molecular consequence: missense variant.
Genome position (GRCh38, 1-based): chr9:990,145, A>G. VCF-style: chr9-990145-A-G. GRCh37 (hg19) VCF-style: chr9-990145-A-G.
Other names: short protein forms K187E.
Identifiers: ClinVar variation 3239408 (VCV003239408.19), dbSNP rs2488514620.

ClinVar aggregate classification (germline): Uncertain significance (1 of 4 stars; one submission).

Submission:

CeGaT Center for Human Genetics Tuebingen
Classification: Uncertain significance. Last evaluated: 2024-04-01. Review status: criteria provided, single submitter. Criteria: CeGaT Center For Human Genetics Tuebingen Variant Classification Criteria Version 2. Collection method: clinical testing. Allele origin: germline. Affected: yes. Observed: 1 variant allele.
Comment: DMRT3: PM2, BP4